The following is an entry in ClinVar:

ClinVar aggregate classification (germline): Uncertain significance (1 of 4 stars; one submission).

Allele frequency attached by ClinVar (database versions not stated): gnomAD 0.00001; gnomAD exomes 0.00001; TOPMed 0.00002; ExAC 0.00003.
gnomAD v4.1: 19 of 1,614,086 alleles (0.0012%); highest among the groups gnomAD compares: East Asian, 0.038%; no homozygotes.

Submission:

Labcorp Genetics (formerly Invitae), Labcorp
Classification: Uncertain significance. Last evaluated: 2022-07-30. Review status: criteria provided, single submitter. Criteria: Invitae Variant Classification Sherloc (09022015). Collection method: clinical testing. Allele origin: germline.
Comment: This sequence change replaces glutamic acid, which is acidic and polar, with lysine, which is basic and polar, at codon 265 of the KLF11 protein (p.Glu265Lys). This variant is present in population databases (rs773720978, gnomAD 0.05%). This variant has not been reported in the literature in individuals affected with KLF11-related conditions. Algorithms developed to predict the effect of missense changes on protein structure and function are either unavailable or do not agree on the potential impact of this missense change (SIFT: "Deleterious"; PolyPhen-2: "Benign"; Align-GVGD: "Class C0"). In summary, the available evidence is currently insufficient to determine the role of this variant in disease. Therefore, it has been classified as a Variant of Uncertain Significance.

NM_003597.5(KLF11):c.793G>A (p.Glu265Lys)

Gene: KLF11 (KLF transcription factor 11; plus strand). Cytogenetic location: 2p25.1.
Variant type: single nucleotide variant.
Coding change: c.793G>A on transcript NM_003597.5 (MANE Select); coding-DNA position 793, G replaced by A.
Protein change: p.Glu265Lys; replaces glutamic acid 265 with lysine.
Molecular consequence: missense variant.
Genome position (GRCh38, 1-based): chr2:10,048,130, G>A. VCF-style: chr2-10048130-G-A. GRCh37 (hg19) VCF-style: chr2-10188257-G-A.
Other names: c.742G>A, p.Glu248Lys (NM_001177716.2, NM_001177718.2); short protein forms E248K, E265K.
Identifiers: ClinVar variation 1984133 (VCV001984133.4), dbSNP rs773720978, ClinGen allele CA1525603.
Genomic context (GRCh38, chr2:10,048,130, plus strand): 5'-GACAAAGGCCAGCAGGCAGGGTGGCCTGGTGCAGTTCAGACTTGCTCACCAAAGAATTAT[G>A]AAAATGACCTGCCCAGGAAAACCACCCCTCTGATTTCTGTCTCTGTCCCTGCTCCCCCTG-3'
Protein context (NP_003588.1, residues 255-275): AVQTCSPKNY[Glu265Lys]NDLPRKTTPL